The following is an entry in ClinVar:

NM_001035.3(RYR2):c.11331G>T (p.Met3777Ile)

Gene: RYR2 (ryanodine receptor 2; plus strand). Cytogenetic location: 1q43.
Variant type: single nucleotide variant.
Coding change: c.11331G>T on transcript NM_001035.3 (MANE Select); coding-DNA position 11331, G replaced by T.
Protein change: p.Met3777Ile; replaces methionine 3777 with isoleucine.
Molecular consequence: missense variant.
Genome position (GRCh38, 1-based): chr1:237,759,781, G>T. VCF-style: chr1-237759781-G-T. GRCh37 (hg19) VCF-style: chr1-237923081-G-T.
Other names: short protein forms M3777I.
Identifiers: ClinVar variation 2123153 (VCV002123153.4), dbSNP rs2527444428, ClinGen allele CA345428347.
Genomic context (GRCh38, chr1:237,759,781, plus strand): 5'-TAACAAACAATAAGATTTTTGTTCAGTGGCCACGTGGTTTCTATAATTCCCATAGAAAAT[G>T]CTTGACTACCTCAAGGAGAAAAAGGATGTGGGCTTCTTTCAGAGCCTGGCCGGCCTGATG-3'
Protein context (NP_001026.2, residues 3767-3787): NGGNSTVQQK[Met3777Ile]LDYLKEKKDV

ClinVar aggregate classification (germline): Uncertain significance (1 of 4 stars; one submission).

Conditions:
Catecholaminergic polymorphic ventricular tachycardia 1. Also called: VENTRICULAR TACHYCARDIA, CATECHOLAMINERGIC POLYMORPHIC, 1, WITH OR WITHOUT ATRIAL DYSFUNCTION AND/OR DILATED CARDIOMYOPATHY; VENTRICULAR TACHYCARDIA, STRESS-INDUCED POLYMORPHIC 1; RYR2-Related Catecholaminergic Polymorphic Ventricular Tachycardia. Identifiers: Orphanet 3286, MedGen C1631597, MONDO:0011484, OMIM 604772.

Submission:

Labcorp Genetics (formerly Invitae), Labcorp
Classification: Uncertain significance for Catecholaminergic polymorphic ventricular tachycardia 1. Last evaluated: 2022-04-08. Review status: criteria provided, single submitter. Criteria: Invitae Variant Classification Sherloc (09022015). Collection method: clinical testing. Allele origin: germline.
Comment: This sequence change replaces methionine, which is neutral and non-polar, with isoleucine, which is neutral and non-polar, at codon 3777 of the RYR2 protein (p.Met3777Ile). This variant is not present in population databases (gnomAD no frequency). This variant has not been reported in the literature in individuals affected with RYR2-related conditions. Algorithms developed to predict the effect of missense changes on protein structure and function are either unavailable or do not agree on the potential impact of this missense change (SIFT: "Deleterious"; PolyPhen-2: "Benign"; Align-GVGD: "Class C0"). In summary, the available evidence is currently insufficient to determine the role of this variant in disease. Therefore, it has been classified as a Variant of Uncertain Significance.